The following is an entry in ClinVar:

ClinVar aggregate classification (germline): Likely benign (0 of 4 stars; one submission).

Conditions:
OSGEP-related disorder. Also called: OSGEP-related condition.

Submission:

PreventionGenetics, part of Exact Sciences
Classification: Likely benign for OSGEP-related condition. Last evaluated: 2019-07-03. Review status: no assertion criteria provided. Collection method: clinical testing. Allele origin: germline.
Comment: This variant is classified as likely benign based on ACMG/AMP sequence variant interpretation guidelines (Richards et al. 2015 PMID: 25741868, with internal and published modifications).

NM_017807.4(OSGEP):c.507+4dup

Gene: OSGEP (O-sialoglycoprotein endopeptidase; minus strand). Cytogenetic location: 14q11.2.
Variant type: Duplication.
Coding change: c.507+4dup on transcript NM_017807.4 (MANE Select); 4 bases into the intron after coding-DNA position 507, one base duplicated (A; older notation c.507+4dupA).
Molecular consequence: intron variant.
Genome position (GRCh38, 1-based): chr14:20,449,167, T duplicated on the plus strand (A on the coding strand, the reverse complement: OSGEP is on the minus strand); the first of 2 consecutive T bases (chr14:20,449,167-20,449,168); duplicating either gives the same sequence. VCF-style (leftmost placement, unchanged base first): chr14-20449166-C-CT. GRCh37 (hg19) VCF-style: chr14-20917325-C-CT.
Identifiers: ClinVar variation 3043358 (VCV003043358.2), dbSNP rs766820832, ClinGen allele CA7081199.